The following is an entry in ClinVar:

NM_177438.3(DICER1):c.3916G>A (p.Ala1306Thr)

Gene: DICER1 (dicer 1, ribonuclease III; minus strand). Cytogenetic location: 14q32.13.
Variant type: single nucleotide variant.
Coding change: c.3916G>A on transcript NM_177438.3 (MANE Select); coding-DNA position 3916, G replaced by A.
Protein change: p.Ala1306Thr; replaces alanine 1306 with threonine.
Molecular consequence: missense variant.
Genome position (GRCh38, 1-based): chr14:95,103,480, C>T on the plus strand (G>A on the coding strand, the complement: DICER1 is on the minus strand). VCF-style: chr14-95103480-C-T. GRCh37 (hg19) VCF-style: chr14-95569817-C-T.
Other names: c.3916G>A (NM_177438.2); c.3916G>A, p.Ala1306Thr (NM_001195573.1, NM_001271282.3, NM_001291628.2 and 1 more transcripts); short protein forms A1306T.
Identifiers: ClinVar variation 1435013 (VCV001435013.10), dbSNP rs2139956372, ClinGen allele CA390873180.

ClinVar aggregate classification (germline): Uncertain significance. Review status: criteria provided, multiple submitters, no conflicts (2 of 4 stars). 2 submissions from 2 submitters: Uncertain significance (2). Last evaluated 2026-04-09.

Conditions:
DICER1-related tumor predisposition. Also called: DICER1 syndrome; DICER1-related pleuropulmonary blastoma cancer predisposition syndrome. Identifiers: Orphanet 284343, MedGen C3839822, MONDO:0100216.
Hereditary cancer-predisposing syndrome. Also called: Tumor predisposition; Neoplastic Syndromes, Hereditary; Hereditary Cancer Syndrome; Hereditary neoplastic syndrome. Identifiers: Orphanet 140162, MedGen C0027672, MeSH D009386, MONDO:0015356.

Allele frequency attached by ClinVar (database versions not stated): gnomAD exomes below 0.00001.
gnomAD v4.1: 3 of 1,614,160 alleles (0.00019%); highest among the groups gnomAD compares: Non-Finnish European, 0.00025%; no homozygotes.

Submissions (2):

Ambry Genetics
Classification: Uncertain significance for Hereditary cancer-predisposing syndrome. Last evaluated: 2026-04-09. Review status: criteria provided, single submitter. Criteria: Ambry Variant Classification Scheme 2023. Collection method: clinical testing. Allele origin: germline.
Comment: The p.A1306T variant (also known as c.3916G>A), located in coding exon 20 of the DICER1 gene, results from a G to A substitution at nucleotide position 3916. The alanine at codon 1306 is replaced by threonine, an amino acid with similar properties. This amino acid position is conserved. In addition, this alteration is predicted to be deleterious by in silico analysis. Based on the available evidence, the clinical significance of this variant remains unclear.

Labcorp Genetics (formerly Invitae), Labcorp
Classification: Uncertain significance for DICER1-related tumor predisposition. Last evaluated: 2021-06-23. Review status: criteria provided, single submitter. Criteria: Invitae Variant Classification Sherloc (09022015). Collection method: clinical testing. Allele origin: germline.
Comment: In summary, the available evidence is currently insufficient to determine the role of this variant in disease. Therefore, it has been classified as a Variant of Uncertain Significance. Algorithms developed to predict the effect of missense changes on protein structure and function (SIFT, PolyPhen-2, Align-GVGD) all suggest that this variant is likely to be disruptive, but these predictions have not been confirmed by published functional studies and their clinical significance is uncertain. This variant has not been reported in the literature in individuals with DICER1-related conditions. This variant is not present in population databases (ExAC no frequency). This sequence change replaces alanine with threonine at codon 1306 of the DICER1 protein (p.Ala1306Thr). The alanine residue is highly conserved and there is a small physicochemical difference between alanine and threonine.